The following is an entry in ClinVar:

ClinVar aggregate classification (germline): Uncertain significance. Review status: criteria provided, multiple submitters, no conflicts (2 of 4 stars). 5 submissions from 5 submitters: Uncertain significance (5). Last evaluated 2024-09-27.

Conditions:
Parkinsonism-dystonia, infantile. Identifiers: Orphanet 238455, MedGen C2751067, MONDO:0013150.
Inborn genetic diseases. Identifiers: MedGen C0950123, MeSH D030342.

Allele frequency attached by ClinVar (database versions not stated): TOPMed 0.00023; gnomAD 0.00027; ESP Exome Variant Server 0.00031; gnomAD exomes 0.00031 and 0.00050; 1000 Genomes Project 0.00040; 1000 Genomes Project 30x 0.00047; ExAC 0.00069.
gnomAD v4.1: 770 of 1,596,664 alleles (0.048%); highest among the groups gnomAD compares: Non-Finnish European, 0.057%; no homozygotes.

Submissions (5):

GeneDx
Classification: Uncertain significance. Last evaluated: 2024-09-27. Review status: criteria provided, single submitter. Criteria: GeneDx Variant Classification Process June 2021. Collection method: clinical testing. Allele origin: germline. Affected: yes.
Comment: Reported in association with attention deficit hyperactivity disorder; no additional information was provided (PMID: 23506866); In silico analysis supports that this missense variant has a deleterious effect on protein structure/function; This variant is associated with the following publications: (PMID: 16212992, 14531049, 16103889, 34426522, 33310157, 37238676, 34650206, 29559554, 23506866, 10889530)

CeGaT Center for Human Genetics Tuebingen
Classification: Uncertain significance. Last evaluated: 2024-04-01. Review status: criteria provided, single submitter. Criteria: CeGaT Center For Human Genetics Tuebingen Variant Classification Criteria Version 2. Collection method: clinical testing. Allele origin: germline. Affected: yes. Observed: 1 variant allele.
Comment: SLC6A3: PM2, PM3:Supporting, BP4

Ambry Genetics
Classification: Uncertain significance for Inborn genetic diseases. Last evaluated: 2022-11-15. Review status: criteria provided, single submitter. Criteria: Ambry Variant Classification Scheme 2023. Collection method: clinical testing. Allele origin: germline.

Labcorp Genetics (formerly Invitae), Labcorp
Classification: Uncertain significance for Parkinsonism-dystonia, infantile. Last evaluated: 2022-08-20. Review status: criteria provided, single submitter. Criteria: Invitae Variant Classification Sherloc (09022015). Collection method: clinical testing. Allele origin: germline.
Comment: This sequence change replaces glutamic acid, which is acidic and polar, with glycine, which is neutral and non-polar, at codon 602 of the SLC6A3 protein (p.Glu602Gly). This variant is present in population databases (rs147837176, gnomAD 0.04%). This variant has not been reported in the literature in individuals affected with SLC6A3-related conditions. ClinVar contains an entry for this variant (Variation ID: 1207044). Algorithms developed to predict the effect of missense changes on protein structure and function (SIFT, PolyPhen-2, Align-GVGD) all suggest that this variant is likely to be tolerated. Experimental studies are conflicting or provide insufficient evidence to determine the effect of this variant on SLC6A3 function (PMID: 16103889, 16212992, 29559554). In summary, the available evidence is currently insufficient to determine the role of this variant in disease. Therefore, it has been classified as a Variant of Uncertain Significance.

Breakthrough Genomics
Classification: Uncertain significance. Review status: criteria provided, single submitter. Criteria: ACMG Guidelines, 2015. Collection method: not provided. Allele origin: germline. Inheritance: Autosomal recessive inheritance. Affected: yes.

Literature cited by the submitters: PubMed 10889530 (cited by Ambry Genetics); PubMed 16103889 (cited by Ambry Genetics and Labcorp Genetics (formerly Invitae), Labcorp); PubMed 16212992 (cited by Ambry Genetics and Labcorp Genetics (formerly Invitae), Labcorp); PubMed 29559554 (cited by Ambry Genetics and Labcorp Genetics (formerly Invitae), Labcorp).

NM_001044.5(SLC6A3):c.1805A>G (p.Glu602Gly)

Gene: SLC6A3 (solute carrier family 6 member 3). Cytogenetic location: 5p15.33.
Variant type: single nucleotide variant.
Coding change: c.1805A>G on transcript NM_001044.5 (MANE Select); coding-DNA position 1805, A replaced by G.
Protein change: p.Glu602Gly; replaces glutamic acid 602 with glycine.
Molecular consequence: missense variant.
Genome position (GRCh38, 1-based): chr5:1,400,949, T>C on the plus strand (A>G on the coding strand, the complement: SLC6A3 is on the minus strand). VCF-style: chr5-1400949-T-C. GRCh37 (hg19) VCF-style: chr5-1401064-T-C.
Other names: short protein forms E602G.
Identifiers: ClinVar variation 1207044 (VCV001207044.29), dbSNP rs147837176, ClinGen allele CA3185886.
Genomic context (GRCh38, chr5:1,400,949, plus strand): 5'-AGGCCCAGCAGGGACCTCGACCTCACCGTGAACTGGCGCACCTCCCCTCTGTCCACCAGC[T>C]CACGGTCCTTCTCGGGTGCAATGGCGTAGGCCAGTTTCTGAAAGAGAAAGAGAGTGCAGG-3'
Protein context (NP_001035.1, residues 592-612): AYAIAPEKDR[Glu602Gly]LVDRGEVRQF